The following is an entry in ClinVar:

NM_021870.3(FGG):c.620A>G (p.Tyr207Cys)

Gene: FGG (fibrinogen gamma chain; minus strand). Cytogenetic location: 4q32.1.
Variant type: single nucleotide variant.
Coding change: c.620A>G on transcript NM_021870.3 (MANE Select); coding-DNA position 620, A replaced by G.
Protein change: p.Tyr207Cys; replaces tyrosine 207 with cysteine.
Molecular consequence: missense variant.
Genome position (GRCh38, 1-based): chr4:154,609,676, T>C on the plus strand (A>G on the coding strand, the complement: FGG is on the minus strand). VCF-style: chr4-154609676-T-C. GRCh37 (hg19) VCF-style: chr4-155530828-T-C.
Other names: c.620A>G, p.Tyr207Cys (NM_000509.6); short protein forms Y207C.
Identifiers: ClinVar variation 809696 (VCV000809696.51), dbSNP rs775086103, ClinGen allele CA3115596.
Genomic context (GRCh38, chr4:154,609,676, plus strand): 5'-GGGGAAAAAATTACCTTCTGAAACACAGTCCATCCATTTCCAGACCCATCGATTTCACAG[T>C]AGACTAAGAATTGCTGGTTAGCTTTCAGAGGTTTAATAAAGTAAAGCCCGCTCTGTTTAG-3'
Protein context (NP_068656.2, residues 197-217): PLKANQQFLV[Tyr207Cys]CEIDGSGNGW

ClinVar aggregate classification (germline): Conflicting classifications of pathogenicity. Review status: criteria provided, conflicting classifications (1 of 4 stars). 5 submissions from 5 submitters: Likely pathogenic (1); Uncertain significance (4). Last evaluated 2024-02-16.

Conditions:
Congenital afibrinogenemia. Identifiers: Orphanet 335, Orphanet 98880, MedGen C2584774, MONDO:0008737, OMIM 202400.
Familial dysfibrinogenemia. Also called: Dysfibrinogenemia, congenital. Identifiers: Orphanet 335, Orphanet 98881, MedGen C0272350, MONDO:0014452, OMIM 616004.

Allele frequency attached by ClinVar (database versions not stated): gnomAD exomes 0.00001 and 0.00003; ExAC 0.00002; TOPMed 0.00005; gnomAD 0.00007 and 0.00008.
gnomAD v4.1: 37 of 1,613,876 alleles (0.0023%); highest among the groups gnomAD compares: Middle Eastern, 0.049%; no homozygotes.

Submissions (5):

Labcorp Genetics (formerly Invitae), Labcorp
Classification: Uncertain significance. Last evaluated: 2024-02-16. Review status: criteria provided, single submitter. Criteria: Invitae Variant Classification Sherloc (09022015). Collection method: clinical testing. Allele origin: germline.
Comment: This sequence change replaces tyrosine, which is neutral and polar, with cysteine, which is neutral and slightly polar, at codon 207 of the FGG protein (p.Tyr207Cys). This variant is present in population databases (rs775086103, gnomAD 0.01%). This missense change has been observed in individual(s) with congenital dysfibrinogenemia (PMID: 25320241). ClinVar contains an entry for this variant (Variation ID: 809696). Advanced modeling of protein sequence and biophysical properties (such as structural, functional, and spatial information, amino acid conservation, physicochemical variation, residue mobility, and thermodynamic stability) performed at Invitae indicates that this missense variant is expected to disrupt FGG protein function with a positive predictive value of 80%. In summary, the available evidence is currently insufficient to determine the role of this variant in disease. Therefore, it has been classified as a Variant of Uncertain Significance.

Blueprint Genetics
Classification: Uncertain significance. Last evaluated: 2024-01-09. Review status: criteria provided, single submitter. Criteria: ACMG Guidelines, 2015. Collection method: clinical testing. Allele origin: germline.

CeGaT Center for Human Genetics Tuebingen
Classification: Uncertain significance. Last evaluated: 2019-05-01. Review status: criteria provided, single submitter. Criteria: CeGaT Center For Human Genetics Tuebingen Variant Classification Criteria Version 2. Collection method: clinical testing. Allele origin: germline. Affected: yes. Observed: 2 variant alleles.

Illumina Laboratory Services, Illumina
Classification: Uncertain significance for Congenital afibrinogenemia. Last evaluated: 2017-04-27. Review status: criteria provided, single submitter. Criteria: ICSL Variant Classification Criteria 13 December 2019. Collection method: clinical testing. Allele origin: germline.
Comment: This variant was observed as part of a predisposition screen in an ostensibly healthy population. A literature search was performed for the gene, cDNA change, and amino acid change (where applicable). Publications were found based on this search. However, the evidence from the literature, in combination with allele frequency data from public databases where available, was not sufficient to rule this variant in or out of causing disease. Therefore, this variant is classified as a variant of unknown significance.

Center of Excellence of Human Genetics, National Research Center
Classification: Likely pathogenic for Familial dysfibrinogenemia. Review status: criteria provided, single submitter. Criteria: ACMG Guidelines, 2015. Collection method: clinical testing. Allele origin: germline. Inheritance: Autosomal dominant inheritance. Affected: yes.
Comment: The c.620A>G (p.Tyr207Cys, rs775086103) variant in FGG is a missense change located in exon 6 of the gene. It has been observed in the general population with a gnomAD allele frequency of 0.002200%, with no homozygous individuals reported. Computational prediction scores for this variant include CADD=29.7 and REVEL=0.943. The variant is previously reported with congenital dysfibrinogenemia. for which the variant met the classification of likely pathogenic variant (PP3, PM2)

Literature cited by the submitters: PubMed 25320241 (cited by 3 submitters).